The following is an entry in ClinVar:

ClinVar aggregate classification (germline): Uncertain significance (1 of 4 stars; one submission).

Submission:

GeneDx
Classification: Uncertain significance. Last evaluated: 2022-05-25. Review status: criteria provided, single submitter. Criteria: GeneDx Variant Classification Process June 2021. Collection method: clinical testing. Allele origin: germline. Affected: yes.
Comment: Not observed at significant frequency in large population cohorts (gnomAD); Missense variants in this gene are often considered pathogenic (HGMD); In silico analysis supports that this missense variant has a deleterious effect on protein structure/function; Has not been previously published as pathogenic or benign to our knowledge; This substitution is predicted to be within the C-terminal cytoplasmic domain

NM_172107.4(KCNQ2):c.2200G>A (p.Gly734Arg)

Gene: KCNQ2 (potassium voltage-gated channel subfamily Q member 2; minus strand). Cytogenetic location: 20q13.33.
Variant type: single nucleotide variant.
Coding change: c.2200G>A on transcript NM_172107.4 (MANE Select); coding-DNA position 2200, G replaced by A.
Protein change: p.Gly734Arg; replaces glycine 734 with arginine.
Molecular consequence: missense variant.
Genome position (GRCh38, 1-based): chr20:63,407,063, C>T on the plus strand (G>A on the coding strand, the complement: KCNQ2 is on the minus strand). VCF-style: chr20-63407063-C-T. GRCh37 (hg19) VCF-style: chr20-62038416-C-T.
Other names: c.2254G>A, p.Gly752Arg (NM_001382235.1); c.2116G>A, p.Gly706Arg (NM_004518.6); c.2146G>A, p.Gly716Arg (NM_172106.3); c.2107G>A, p.Gly703Arg (NM_172108.5); short protein forms G703R, G706R, G716R, G734R, G752R.
Identifiers: ClinVar variation 1801026 (VCV001801026.1), dbSNP rs1451257793, ClinGen allele CA409638559.